The following is an entry in ClinVar:

NM_003334.4(UBA1):c.733G>A (p.Gly245Arg)

Gene: UBA1 (ubiquitin like modifier activating enzyme 1; plus strand). Cytogenetic location: Xp11.3.
Variant type: single nucleotide variant.
Coding change: c.733G>A on transcript NM_003334.4 (MANE Select); coding-DNA position 733, G replaced by A.
Protein change: p.Gly245Arg; replaces glycine 245 with arginine.
Molecular consequence: missense variant.
Genome position (GRCh38, 1-based): chrX:47,201,532, G>A. VCF-style: chrX-47201532-G-A. GRCh37 (hg19) VCF-style: chrX-47060931-G-A.
Other names: c.733G>A, p.Gly245Arg (NM_153280.3); short protein forms G245R.
Identifiers: ClinVar variation 1003979 (VCV001003979.11), dbSNP rs781803482, ClinGen allele CA10395745.

ClinVar aggregate classification (germline): Uncertain significance. Review status: criteria provided, multiple submitters, no conflicts (2 of 4 stars). 3 submissions from 3 submitters: Uncertain significance (3). Last evaluated 2024-10-03.

Conditions:
Inborn genetic diseases. Identifiers: MedGen C0950123, MeSH D030342.
Infantile-onset X-linked spinal muscular atrophy. Also called: Spinal Muscular Atrophy, X-Linked Infantile; SPINAL MUSCULAR ATROPHY, X-LINKED LETHAL INFANTILE; AMC, DISTAL, X-LINKED; ARTHROGRYPOSIS, X-LINKED, TYPE I; Spinal muscular atrophy, X-linked 2. Identifiers: Orphanet 1145, MedGen C1844934, MONDO:0010532, OMIM 301830.

Allele frequency attached by ClinVar (database versions not stated): ExAC 0.00002; gnomAD exomes 0.00002 and 0.00001; gnomAD 0.00003; TOPMed 0.00003.
gnomAD v4.1: 14 of 1,210,252 alleles (0.0012%); highest among the groups gnomAD compares: African/African-American, 0.007%; no homozygotes.

Submissions (3):

Labcorp Genetics (formerly Invitae), Labcorp
Classification: Uncertain significance for Infantile-onset X-linked spinal muscular atrophy. Last evaluated: 2024-10-03. Review status: criteria provided, single submitter. Criteria: Invitae Variant Classification Sherloc (09022015). Collection method: clinical testing. Allele origin: germline.
Comment: This sequence change replaces glycine, which is neutral and non-polar, with arginine, which is basic and polar, at codon 245 of the UBA1 protein (p.Gly245Arg). This variant is present in population databases (rs781803482, gnomAD 0.01%), including at least one homozygous and/or hemizygous individual. This variant has not been reported in the literature in individuals affected with UBA1-related conditions. ClinVar contains an entry for this variant (Variation ID: 1003979). An algorithm developed to predict the effect of missense changes on protein structure and function (PolyPhen-2) suggests that this variant is likely to be disruptive. In summary, the available evidence is currently insufficient to determine the role of this variant in disease. Therefore, it has been classified as a Variant of Uncertain Significance.

Ambry Genetics
Classification: Uncertain significance for Inborn genetic diseases. Last evaluated: 2020-08-12. Review status: criteria provided, single submitter. Criteria: Ambry Variant Classification Scheme 2023. Collection method: clinical testing. Allele origin: germline.
Comment: The p.G245R variant (also known as c.733G>A), located in coding exon 7 of the UBA1 gene, results from a G to A substitution at nucleotide position 733. The glycine at codon 245 is replaced by arginine, an amino acid with dissimilar properties. This amino acid position is highly conserved in available vertebrate species. Based on data from gnomAD, the c.733G>A variant has an overall frequency of 0.002% (4/205,086) of total alleles studied with the highest observed frequency of 0.01% (2/19,027) in the African sub-population. In addition, this alteration is predicted to be deleterious by in silico analysis. Since supporting evidence is limited at this time, the clinical significance of this alteration remains unclear.

Breakthrough Genomics
Classification: Uncertain significance. Review status: criteria provided, single submitter. Criteria: ACMG Guidelines, 2015. Collection method: not provided. Allele origin: germline. Inheritance: X-linked recessive inheritance. Affected: yes.